The following is an entry in ClinVar:

ClinVar aggregate classification (germline): Uncertain significance (1 of 4 stars; one submission).

Conditions:
Walker-Warburg congenital muscular dystrophy. Also called: Muscular dystrophy-dystroglycanopathy, type A; Walker-Warburg syndrome. Identifiers: Orphanet 899, MedGen C0265221, MONDO:0000171.

Submission:

Labcorp Genetics (formerly Invitae), Labcorp
Classification: Uncertain significance for Walker-Warburg congenital muscular dystrophy. Last evaluated: 2022-02-18. Review status: criteria provided, single submitter. Criteria: Invitae Variant Classification Sherloc (09022015). Collection method: clinical testing. Allele origin: germline.
Comment: This sequence change replaces glutamine, which is neutral and polar, with glutamic acid, which is acidic and polar, at codon 105 of the FKRP protein (p.Gln105Glu). This variant is not present in population databases (gnomAD no frequency). This variant has not been reported in the literature in individuals affected with FKRP-related conditions. Algorithms developed to predict the effect of missense changes on protein structure and function (SIFT, PolyPhen-2, Align-GVGD) all suggest that this variant is likely to be tolerated. In summary, the available evidence is currently insufficient to determine the role of this variant in disease. Therefore, it has been classified as a Variant of Uncertain Significance.

NM_024301.5(FKRP):c.313C>G (p.Gln105Glu)

Gene: FKRP (fukutin related protein; plus strand). Cytogenetic location: 19q13.32.
Variant type: single nucleotide variant.
Coding change: c.313C>G on transcript NM_024301.5 (MANE Select); coding-DNA position 313, C replaced by G.
Protein change: p.Gln105Glu; replaces glutamine 105 with glutamic acid.
Molecular consequence: missense variant.
Genome position (GRCh38, 1-based): chr19:46,755,763, C>G. VCF-style: chr19-46755763-C-G. GRCh37 (hg19) VCF-style: chr19-47259020-C-G.
Other names: c.313C>G, p.Gln105Glu (NM_001039885.3); short protein forms Q105E.
Identifiers: ClinVar variation 1347361 (VCV001347361.6), dbSNP rs761821795, ClinGen allele CA406495084.
Genomic context (GRCh38, chr19:46,755,763, plus strand): 5'-ACGCTCCCCTACCCGCCCCTGGCCCTGCCCCGCATCCCCAACGTGCGTCTGGCGCTGCTC[C>G]AGCCCGCCCTGGACCGGCCAGCCGCAGCCTCGCGCCCGGAGACCTACGTGGCCACCGAGT-3'
Protein context (NP_077277.1, residues 95-115): RIPNVRLALL[Gln105Glu]PALDRPAAAS